The following is an entry in ClinVar:

ClinVar aggregate classification (germline): Uncertain significance (1 of 4 stars; one submission).

Conditions:
Hereditary spastic paraplegia 11. Also called: Spastic Paraplegia 11; Spastic paraplegia, mental retardation and thin corpus callosum; Nakamura Osame syndrome; Autosomal recessive hereditary spastic paraplegia, mental impairment, and thin corpus callosum; SPASTIC PARAPLEGIA, AUTOSOMAL RECESSIVE, COMPLICATED, WITH THIN CORPUS CALLOSUM; SPASTIC PARAPLEGIA, AUTOSOMAL RECESSIVE, WITH MENTAL IMPAIRMENT AND THIN CORPUS CALLOSUM. Identifiers: Orphanet 2822, MedGen C1858479, MONDO:0011445, OMIM 604360.

Submission:

Labcorp Genetics (formerly Invitae), Labcorp
Classification: Uncertain significance for Hereditary spastic paraplegia 11. Last evaluated: 2016-10-17. Review status: criteria provided, single submitter. Criteria: Invitae Variant Classification Sherloc (09022015). Collection method: clinical testing. Allele origin: germline.
Comment: This sequence change replaces alanine with glutamic acid at codon 2415 of the SPG11 protein (p.Ala2415Glu). The alanine residue is highly conserved and there is a moderate physicochemical difference between alanine and glutamic acid. This variant is not present in population databases (ExAC no frequency) and has not been reported in the literature in individuals with a SPG11-related disease. Algorithms developed to predict the effect of missense changes on protein structure and function do not agree on the potential impact of this missense change (SIFT: "Deleterious"; PolyPhen-2: "Probably Damaging"; Align-GVGD: "Class C0"). In summary, this variant is a novel missense change with uncertain impact on protein function. It has been classified as a Variant of Uncertain Significance.

NM_025137.4(SPG11):c.7244C>A (p.Ala2415Glu)

Gene: SPG11 (SPG11 vesicle trafficking associated, spatacsin; minus strand). Cytogenetic location: 15q21.1.
Variant type: single nucleotide variant.
Coding change: c.7244C>A on transcript NM_025137.4 (MANE Select); coding-DNA position 7244, C replaced by A.
Protein change: p.Ala2415Glu; replaces alanine 2415 with glutamic acid.
Molecular consequence: missense variant.
Genome position (GRCh38, 1-based): chr15:44,563,209, G>T on the plus strand (C>A on the coding strand, the complement: SPG11 is on the minus strand). VCF-style: chr15-44563209-G-T. GRCh37 (hg19) VCF-style: chr15-44855407-G-T.
Other names: c.6905C>A, p.Ala2302Glu (NM_001160227.2); short protein forms A2415E, A2302E.
Identifiers: ClinVar variation 406531 (VCV000406531.1), dbSNP rs1060501177, ClinGen allele CA16614600.